The following is an entry in ClinVar:

NM_007118.4(TRIO):c.120C>T (p.Ala40=)

Genes: TRIO (trio Rho guanine nucleotide exchange factor; plus strand), LOC129993690 (ATAC-STARR-seq lymphoblastoid silent region 15936; plus strand). Cytogenetic location: 5p15.2.
Variant type: single nucleotide variant.
Coding change: c.120C>T on transcript NM_007118.4 (MANE Select); coding-DNA position 120, C replaced by T.
Protein change: p.Ala40=; no amino-acid change (alanine 40 retained).
Molecular consequence: synonymous variant. On other transcripts: non-coding transcript variant (1).
Genome position (GRCh38, 1-based): chr5:14,143,845, C>T. VCF-style: chr5-14143845-C-T. GRCh37 (hg19) VCF-style: chr5-14143954-C-T.
Identifiers: ClinVar variation 2655301 (VCV002655301.24), dbSNP rs1787324124, ClinGen allele CA443368668.

ClinVar aggregate classification (germline): Likely benign (1 of 4 stars; one submission).

Allele frequency attached by ClinVar (database versions not stated): gnomAD 0.00001.
gnomAD v4.1: 1 of 1,073,188 alleles (0.000093%); highest among the groups gnomAD compares: African/African-American, 0.0017%; no homozygotes.

Submission:

CeGaT Center for Human Genetics Tuebingen
Classification: Likely benign. Last evaluated: 2022-09-01. Review status: criteria provided, single submitter. Criteria: CeGaT Center For Human Genetics Tuebingen Variant Classification Criteria Version 2. Collection method: clinical testing. Allele origin: germline. Affected: yes. Observed: 1 variant allele.
Comment: TRIO: BP4, BP7